The following is an entry in ClinVar:

NM_000814.6(GABRB3):c.679A>C (p.Thr227Pro)

Gene: GABRB3 (gamma-aminobutyric acid type A receptor subunit beta3; minus strand). Cytogenetic location: 15q12.
Variant type: single nucleotide variant.
Coding change: c.679A>C on transcript NM_000814.6 (MANE Select); coding-DNA position 679, A replaced by C.
Protein change: p.Thr227Pro; replaces threonine 227 with proline.
Molecular consequence: missense variant.
Genome position (GRCh38, 1-based): chr15:26,580,322, T>G on the plus strand (A>C on the coding strand, the complement: GABRB3 is on the minus strand). VCF-style: chr15-26580322-T-G. GRCh37 (hg19) VCF-style: chr15-26825469-T-G.
Other names: c.424A>C, p.Thr142Pro (NM_001191320.2, NM_001278631.2); c.466A>C, p.Thr156Pro (NM_001191321.3); c.679A>C, p.Thr227Pro (NM_021912.5); short protein forms T142P, T227P, T156P.
Identifiers: ClinVar variation 1028380 (VCV001028380.1), dbSNP rs1890741727, ClinGen allele CA391463892.
Genomic context (GRCh38, chr15:26,580,322, plus strand): 5'-AGTCACGCCCATGGAGCCAGTGCCCCTGAAGGGACTATAAGTGGATGCAGGACTCACCTG[T>G]GGCGAAGACAACATTCCTCGAGACCAGACGGTGCTCCACGATGGAGAACTGCGGGAGCTC-3'
Protein context (NP_000805.1, residues 217-237): RLVSRNVVFA[Thr227Pro]GAYPRLSLSF

ClinVar aggregate classification (germline): Uncertain significance (1 of 4 stars; one submission).

Conditions:
Developmental and epileptic encephalopathy, 43 (DEE43). Also called: Epileptic encephalopathy, early infantile, 43. Identifiers: MedGen C4310712, MONDO:0014921, OMIM 617113.

Submission:

Baylor Genetics
Classification: Uncertain significance for Developmental and epileptic encephalopathy, 43. Last evaluated: 2019-08-14. Review status: criteria provided, single submitter. Criteria: ACMG Guidelines, 2015. Collection method: clinical testing. Allele origin: unknown. Affected: yes.
Comment: This variant was determined to be of uncertain significance according to ACMG Guidelines, 2015 [PMID:25741868].